The following is an entry in ClinVar:

ClinVar aggregate classification (germline): Uncertain significance (1 of 4 stars; one submission).

Conditions:
Dyskeratosis congenita, autosomal recessive 5 (DKCB5). Identifiers: MedGen C3554656, MONDO:0014076, OMIM 615190.
Pulmonary fibrosis and/or bone marrow failure, Telomere-related, 3. Also called: PULMONARY FIBROSIS AND/OR BONE MARROW FAILURE SYNDROME, TELOMERE-RELATED, 3. Identifiers: Orphanet 2032, MedGen C4225346, MONDO:0014613, OMIM 616373.

Allele frequency attached by ClinVar (database versions not stated): gnomAD exomes below 0.00001.
gnomAD v4.1: 2 of 1,547,828 alleles (0.00013%); highest among the groups gnomAD compares: South Asian, 0.0012%; no homozygotes.

Submission:

Labcorp Genetics (formerly Invitae), Labcorp
Classification: Uncertain significance for Dyskeratosis congenita, autosomal recessive 5; Pulmonary fibrosis and/or bone marrow failure, Telomere-related, 3. Last evaluated: 2023-07-07. Review status: criteria provided, single submitter. Criteria: Invitae Variant Classification Sherloc (09022015). Collection method: clinical testing. Allele origin: germline.
Comment: In summary, the available evidence is currently insufficient to determine the role of this variant in disease. Therefore, it has been classified as a Variant of Uncertain Significance. Variants that disrupt the consensus splice site are a relatively common cause of aberrant splicing (PMID: 17576681, 9536098). Algorithms developed to predict the effect of sequence changes on RNA splicing suggest that this variant is not likely to affect RNA splicing. ClinVar contains an entry for this variant (Variation ID: 2011798). This variant has not been reported in the literature in individuals affected with RTEL1-related conditions. This variant is not present in population databases (gnomAD no frequency). This sequence change falls in intron 27 of the RTEL1 gene. It does not directly change the encoded amino acid sequence of the RTEL1 protein. It affects a nucleotide within the consensus splice site.

Literature cited by the submitters: PubMed 17576681; PubMed 9536098.

NM_001283009.2(RTEL1):c.2556+5A>G

Genes: RTEL1 (regulator of telomere elongation helicase 1; plus strand), RTEL1-TNFRSF6B (RTEL1-TNFRSF6B readthrough (NMD candidate); plus strand). Cytogenetic location: 20q13.33.
Variant type: single nucleotide variant.
Coding change: c.2556+5A>G on transcript NM_001283009.2 (MANE Select); 5 bases into the intron after coding-DNA position 2556, A replaced by G.
Molecular consequence: intron variant.
Genome position (GRCh38, 1-based): chr20:63,690,952, A>G. VCF-style: chr20-63690952-A-G. GRCh37 (hg19) VCF-style: chr20-62322305-A-G.
Other names: c.1887+5A>G (NM_001283010.1); c.2628+5A>G (NM_032957.5); c.2556+5A>G (NM_016434.4).
Identifiers: ClinVar variation 2011798 (VCV002011798.2), dbSNP rs7361524, ClinGen allele CA317517294.